The following is an entry in ClinVar:

NM_032656.4(DHX37):c.1090C>A (p.Leu364Met)

Gene: DHX37 (DEAH-box helicase 37; minus strand). Cytogenetic location: 12q24.31.
Variant type: single nucleotide variant.
Coding change: c.1090C>A on transcript NM_032656.4 (MANE Select); coding-DNA position 1090, C replaced by A.
Protein change: p.Leu364Met; replaces leucine 364 with methionine.
Molecular consequence: missense variant.
Genome position (GRCh38, 1-based): chr12:124,971,403, G>T on the plus strand (C>A on the coding strand, the complement: DHX37 is on the minus strand). VCF-style: chr12-124971403-G-T. GRCh37 (hg19) VCF-style: chr12-125455949-G-T.
Other names: short protein forms L364M.
Identifiers: ClinVar variation 2145551 (VCV002145551.4), dbSNP rs150066589, ClinGen allele CA6872210.
Genomic context (GRCh38, chr12:124,971,403, plus strand): 5'-GGATGTCCGTGTACACGCTCCTCTCGTGGGCCTCGTCGATGATCACCACCTTGTACCGCA[G>T]CAGCAGGAAGTCCTGGGGGGAGGTCCGGGGTGAGGCCCACCCTTCCAGCCTAAGCCCCAA-3'
Protein context (NP_116045.2, residues 354-374): LKEIQKDFLL[Leu364Met]RYKVVIIDEA

ClinVar aggregate classification (germline): Uncertain significance (1 of 4 stars; one submission).

Allele frequency attached by ClinVar (database versions not stated): TOPMed 0.00010; gnomAD 0.00013; ExAC 0.00015; gnomAD exomes 0.00021; ESP Exome Variant Server 0.00023.
gnomAD v4.1: 314 of 1,613,074 alleles (0.019%); highest among the groups gnomAD compares: Non-Finnish European, 0.025%; no homozygotes.

Submission:

Labcorp Genetics (formerly Invitae), Labcorp
Classification: Uncertain significance. Last evaluated: 2026-01-07. Review status: criteria provided, single submitter. Criteria: Invitae Variant Classification Sherloc (09022015). Collection method: clinical testing. Allele origin: germline.
Comment: This sequence change replaces leucine, which is neutral and non-polar, with methionine, which is neutral and non-polar, at codon 364 of the DHX37 protein (p.Leu364Met). This variant is present in population databases (rs150066589, gnomAD 0.02%). This variant has not been reported in the literature in individuals affected with DHX37-related conditions. ClinVar contains an entry for this variant (Variation ID: 2145551). Invitae Evidence Modeling of protein sequence and biophysical properties (such as structural, functional, and spatial information, amino acid conservation, physicochemical variation, residue mobility, and thermodynamic stability) indicates that this missense variant is not expected to disrupt DHX37 protein function with a negative predictive value of 80%. In summary, the available evidence is currently insufficient to determine the role of this variant in disease. Therefore, it has been classified as a Variant of Uncertain Significance.